The following is an entry in ClinVar:

NM_004247.4(EFTUD2):c.11A>T (p.Asp4Val)

Gene: EFTUD2 (elongation factor Tu GTP binding domain containing 2; minus strand). Cytogenetic location: 17q21.31.
Variant type: single nucleotide variant.
Coding change: c.11A>T on transcript NM_004247.4 (MANE Select); coding-DNA position 11, A replaced by T.
Protein change: p.Asp4Val; replaces aspartic acid 4 with valine.
Molecular consequence: missense variant. On other transcripts: intron variant (1).
Genome position (GRCh38, 1-based): chr17:44,894,511, T>A on the plus strand (A>T on the coding strand, the complement: EFTUD2 is on the minus strand). VCF-style: chr17-44894511-T-A. GRCh37 (hg19) VCF-style: chr17-42971879-T-A.
Other names: c.11A>T, p.Asp4Val (NM_001258353.2, NM_001258354.2); c.-1+4858A>T (NM_001142605.2); short protein forms D4V.
Identifiers: ClinVar variation 4853973 (VCV004853973.1).

ClinVar aggregate classification (germline): Uncertain significance (1 of 4 stars; one submission).

Conditions:
Mandibulofacial dysostosis-microcephaly syndrome (MFDGA). Also called: Growth and mental retardation, mandibulofacial dysostosis, microcephaly, and cleft palate; Mandibulofacial dysostosis, Guion-Almeida type. Identifiers: Orphanet 79113, MedGen C1864652, MONDO:0012516, OMIM 610536.

Submission:

3billion
Classification: Uncertain significance for Mandibulofacial dysostosis-microcephaly syndrome. Last evaluated: 2026-01-23. Review status: criteria provided, single submitter. Criteria: ACMG Guidelines, 2015. Collection method: clinical testing. Allele origin: germline. Affected: yes.
Comment: The variant is not observed in the gnomAD v4.1.0 dataset. Predicted Consequence/Location: Missense variant. Missense changes are a common disease-causing mechanism. In silico tool predictions suggest damaging effect of the variant on gene or gene product [REVEL: 0.82 (>=0.6, sensitivity 0.68 and specificity 0.92)]. Therefore, this variant is classified as VUS according to the recommendation of ACMG/AMP guideline.